The following is an entry in ClinVar:

NM_018947.6(CYCS):c.308C>T (p.Thr103Ile)

Gene: CYCS (cytochrome c, somatic; minus strand). Cytogenetic location: 7p15.3.
Variant type: single nucleotide variant.
Coding change: c.308C>T on transcript NM_018947.6 (MANE Select); coding-DNA position 308, C replaced by T.
Protein change: p.Thr103Ile; replaces threonine 103 with isoleucine.
Molecular consequence: missense variant.
Genome position (GRCh38, 1-based): chr7:25,123,711, G>A on the plus strand (C>T on the coding strand, the complement: CYCS is on the minus strand). VCF-style: chr7-25123711-G-A. GRCh37 (hg19) VCF-style: chr7-25163330-G-A.
Other names: short protein forms T103I.
Identifiers: ClinVar variation 627298 (VCV000627298.6), dbSNP rs1583394618, ClinGen allele CA367059962.
Genomic context (GRCh38, chr7:25,123,711, plus strand): 5'-AAAGTCATGAGACATTTCTGTTTTGTAATAAATAAGGCAGTGGCCAATTATTACTCATTA[G>A]TAGCTTTTTTGAGATAAGCTATTAAGTCTGCCCTTTCTTCCTTCTTCTTAATGCCGACAA-3'
Protein context (NP_061820.1, residues 93-105): ADLIAYLKKA[Thr103Ile]NE

ClinVar aggregate classification (germline): Conflicting classifications of pathogenicity. Review status: criteria provided, conflicting classifications (1 of 4 stars). 4 submissions from 4 submitters: Likely pathogenic (2); Uncertain significance (2). Last evaluated 2024-12-15.

Conditions:
Thrombocytopenia 4 (THC4). Also called: THROMBOCYTOPENIA, AUTOSOMAL DOMINANT, 4. Identifiers: Orphanet 268322, MedGen C2677608, MONDO:0012775, OMIM 612004.
Thrombocytopenia. Identifiers: MedGen C0040034, MeSH D013921, MONDO:0002049, HP:0001873.

Submissions (4):

Labcorp Genetics (formerly Invitae), Labcorp
Classification: Uncertain significance. Last evaluated: 2024-12-15. Review status: criteria provided, single submitter. Criteria: Invitae Variant Classification Sherloc (09022015). Collection method: clinical testing. Allele origin: germline.
Comment: This sequence change replaces threonine, which is neutral and polar, with isoleucine, which is neutral and non-polar, at codon 103 of the CYCS protein (p.Thr103Ile). This variant is not present in population databases (gnomAD no frequency). This missense change has been observed in individual(s) with clinical features of CYCS-related conditions (PMID: 31064749). ClinVar contains an entry for this variant (Variation ID: 627298). An algorithm developed to predict the effect of missense changes on protein structure and function (PolyPhen-2) suggests that this variant is likely to be disruptive. In summary, the available evidence is currently insufficient to determine the role of this variant in disease. Therefore, it has been classified as a Variant of Uncertain Significance.

MGZ Medical Genetics Center
Classification: Likely pathogenic for Thrombocytopenia 4. Last evaluated: 2022-07-21. Review status: criteria provided, single submitter. Criteria: ACMG Guidelines, 2015. Collection method: clinical testing. Allele origin: germline. Affected: yes. Observed: 1 variant allele.
Comment: ACMG criteria applied: PS2, PS4_MOD, PM2_SUP, PP3

NIHR Bioresource Rare Diseases, University of Cambridge
Classification: Uncertain significance for Thrombocytopenia. Last evaluated: 2019-02-01. Review status: criteria provided, single submitter. Criteria: ACMG Guidelines, 2015. Collection method: research. Allele origin: unknown. Affected: yes. Observed: 1 heterozygote. Study: ThromboGenomics.

ISTH-SSC Genomics in Thrombosis and Hemostasis, KU Leuven, Center for Molecular and Vascular Biology
Classification: Likely pathogenic for Thrombocytopenia 4. Review status: criteria provided, single submitter. Criteria: ACMG Guidelines, 2015. Collection method: clinical testing. Allele origin: germline. Affected: yes. Observed: 1 heterozygote.
Comment: Submitted to GoldVariant by Jose María Bastida and José Rivera; Grupo Español de Alteraciones Plaquetarias Congénitas (GEAPC)

Literature cited by the submitters: PubMed 31064749 (cited by Labcorp Genetics (formerly Invitae), Labcorp and NIHR Bioresource Rare Diseases, University of Cambridge).